The following is an entry in ClinVar:

NM_001083961.2(WDR62):c.3302C>T (p.Thr1101Met)

Gene: WDR62 (WD repeat domain 62; plus strand). Cytogenetic location: 19q13.12.
Variant type: single nucleotide variant.
Coding change: c.3302C>T on transcript NM_001083961.2 (MANE Select); coding-DNA position 3302, C replaced by T.
Protein change: p.Thr1101Met; replaces threonine 1101 with methionine.
Molecular consequence: missense variant.
Genome position (GRCh38, 1-based): chr19:36,102,818, C>T. VCF-style: chr19-36102818-C-T. GRCh37 (hg19) VCF-style: chr19-36593720-C-T.
Other names: c.3287C>T, p.Thr1096Met (NM_173636.5); short protein forms T1101M, T1096M.
Identifiers: ClinVar variation 328923 (VCV000328923.12), dbSNP rs147484315, ClinGen allele CA9396239.

ClinVar aggregate classification (germline): Uncertain significance. Review status: criteria provided, multiple submitters, no conflicts (2 of 4 stars). 4 submissions from 4 submitters: Uncertain significance (4). Last evaluated 2024-09-29.

Conditions:
Inborn genetic diseases. Identifiers: MedGen C0950123, MeSH D030342.
Microcephaly 2, primary, autosomal recessive, with or without cortical malformations. Also called: MICROCEPHALY 2, PRIMARY, AUTOSOMAL RECESSIVE, WITH CORTICAL MALFORMATIONS; WDR62 Primary Microcephaly. Identifiers: Orphanet 2512, MedGen C1858535, MONDO:0011435, OMIM 604317.

Allele frequency attached by ClinVar (database versions not stated): ExAC 0.00003; gnomAD exomes 0.00004 and 0.00005; gnomAD 0.00005; TOPMed 0.00005; ESP Exome Variant Server 0.00008.
gnomAD v4.1: 71 of 1,614,108 alleles (0.0044%); highest among the groups gnomAD compares: African/African-American, 0.0067%; no homozygotes.

Submissions (4):

GeneDx
Classification: Uncertain significance. Last evaluated: 2024-09-29. Review status: criteria provided, single submitter. Criteria: GeneDx Variant Classification Process June 2021. Collection method: clinical testing. Allele origin: germline. Affected: yes.
Comment: In silico analysis supports that this missense variant has a deleterious effect on protein structure/function; Has not been previously published as pathogenic or benign to our knowledge

Ambry Genetics
Classification: Uncertain significance for Inborn genetic diseases. Last evaluated: 2022-06-30. Review status: criteria provided, single submitter. Criteria: Ambry Variant Classification Scheme 2023. Collection method: clinical testing. Allele origin: germline.

Illumina Laboratory Services, Illumina
Classification: Uncertain significance for Microcephaly 2, primary, autosomal recessive, with or without cortical malformations. Last evaluated: 2018-01-13. Review status: criteria provided, single submitter. Criteria: ICSL Variant Classification Criteria 13 December 2019. Collection method: clinical testing. Allele origin: germline.

Eurofins Ntd Llc (ga)
Classification: Uncertain significance. Last evaluated: 2017-09-07. Review status: criteria provided, single submitter. Criteria: EGL Classification Definitions 2015. Collection method: clinical testing. Allele origin: germline. Observed: 1 variant allele, 1 heterozygote.